The following is an entry in ClinVar:

NM_024529.5(CDC73):c.391G>A (p.Val131Ile)

Gene: CDC73 (cell division cycle 73; plus strand). Cytogenetic location: 1q31.2.
Variant type: single nucleotide variant.
Coding change: c.391G>A on transcript NM_024529.5 (MANE Select); coding-DNA position 391, G replaced by A.
Protein change: p.Val131Ile; replaces valine 131 with isoleucine.
Molecular consequence: missense variant.
Genome position (GRCh38, 1-based): chr1:193,135,557, G>A. VCF-style: chr1-193135557-G-A. GRCh37 (hg19) VCF-style: chr1-193104687-G-A.
Other names: short protein forms V131I.
Identifiers: ClinVar variation 462761 (VCV000462761.14), dbSNP rs769052041, ClinGen allele CA34369428.

ClinVar aggregate classification (germline): Conflicting classifications of pathogenicity. Review status: criteria provided, conflicting classifications (1 of 4 stars). 3 submissions from 3 submitters: Uncertain significance (2); Benign (1). Last evaluated 2025-12-03.

Conditions:
Hereditary cancer-predisposing syndrome. Also called: Neoplastic Syndromes, Hereditary; Hereditary Cancer Syndrome; Hereditary neoplastic syndrome; Tumor predisposition. Identifiers: Orphanet 140162, MedGen C0027672, MeSH D009386, MONDO:0015356.
Parathyroid carcinoma (PRTC). Also called: CDC73-Related Parathyroid Carcinoma; Parathyroid gland carcinoma. Identifiers: Orphanet 143, MedGen C0687150, MONDO:0012004, OMIM 608266, HP:0006780.
Hyperparathyroidism 1 (HRPT1). Also called: HYPERPARATHYROIDISM, FAMILIAL ISOLATED PRIMARY. Identifiers: Orphanet 99879, MedGen C1840402, MONDO:0007767, OMIM 145000.

Allele frequency attached by ClinVar (database versions not stated): gnomAD 0.00001; gnomAD exomes 0.00001 and 0.00002.
gnomAD v4.1: 8 of 1,613,452 alleles (0.0005%); highest among the groups gnomAD compares: Admixed American, 0.0083%; no homozygotes.

Submissions (3):

Labcorp Genetics (formerly Invitae), Labcorp
Classification: Uncertain significance for Parathyroid carcinoma. Last evaluated: 2025-12-03. Review status: criteria provided, single submitter. Criteria: Invitae Variant Classification Sherloc (09022015). Collection method: clinical testing. Allele origin: germline.
Comment: This sequence change replaces valine, which is neutral and non-polar, with isoleucine, which is neutral and non-polar, at codon 131 of the CDC73 protein (p.Val131Ile). This variant is present in population databases (rs769052041, gnomAD 0.01%). This variant has not been reported in the literature in individuals affected with CDC73-related conditions. ClinVar contains an entry for this variant (Variation ID: 462761). Invitae Evidence Modeling of protein sequence and biophysical properties (such as structural, functional, and spatial information, amino acid conservation, physicochemical variation, residue mobility, and thermodynamic stability) indicates that this missense variant is not expected to disrupt CDC73 protein function with a negative predictive value of 80%. In summary, the available evidence is currently insufficient to determine the role of this variant in disease. Therefore, it has been classified as a Variant of Uncertain Significance.

Ambry Genetics
Classification: Benign for Hereditary cancer-predisposing syndrome. Last evaluated: 2024-05-02. Review status: criteria provided, single submitter. Criteria: Ambry Variant Classification Scheme 2023. Collection method: clinical testing. Allele origin: germline.

Clinical Genomics Laboratory, Stanford Medicine
Classification: Uncertain significance for Hyperparathyroidism 1. Last evaluated: 2023-08-15. Review status: criteria provided, single submitter. Criteria: ACMG Guidelines, 2015. Collection method: clinical testing. Allele origin: germline. Observed: 1 variant allele, 1 heterozygote.